The following is an entry in ClinVar:

ClinVar aggregate classification (germline): Uncertain significance. Review status: criteria provided, multiple submitters, no conflicts (2 of 4 stars). 2 submissions from 2 submitters: Uncertain significance (2). Last evaluated 2025-12-15.

Conditions:
Hereditary pancreatitis (PCTT). Also called: Hereditary chronic pancreatitis; PRSS1-Related Hereditary Pancreatitis. Identifiers: Orphanet 676, MedGen C0238339, MONDO:0008185, OMIM 167800.

Submissions (2):

Ambry Genetics
Classification: Uncertain significance for Hereditary pancreatitis. Last evaluated: 2025-12-15. Review status: criteria provided, single submitter. Criteria: Ambry Variant Classification Scheme 2023. Collection method: clinical testing. Allele origin: germline.
Comment: The p.K92N variant (also known as c.276G>C), located in coding exon 3 of the PRSS1 gene, results from a G to C substitution at nucleotide position 276. The lysine at codon 92 is replaced by asparagine, an amino acid with similar properties. This alteration has been identified in an individual diagnosed with autoimmune pancreatitis (Chang MC et al. J Gastroenterol Hepatol, 2014 Dec;29:2038-42). This amino acid position is well conserved in available vertebrate species. In addition, the in silico prediction for this alteration is inconclusive. Since supporting evidence is limited at this time, the clinical significance of this alteration remains unclear.

Labcorp Genetics (formerly Invitae), Labcorp
Classification: Uncertain significance for Hereditary pancreatitis. Last evaluated: 2021-12-15. Review status: criteria provided, single submitter. Criteria: Invitae Variant Classification Sherloc (09022015). Collection method: clinical testing. Allele origin: germline.
Comment: Algorithms developed to predict the effect of missense changes on protein structure and function are either unavailable or do not agree on the potential impact of this missense change (SIFT: "Deleterious"; PolyPhen-2: "Benign"; Align-GVGD: "Class C15"). Experimental studies are conflicting or provide insufficient evidence to determine the effect of this variant on PRSS1 function (PMID: 23455445). In summary, the available evidence is currently insufficient to determine the role of this variant in disease. Therefore, it has been classified as a Variant of Uncertain Significance. This sequence change replaces lysine, which is basic and polar, with asparagine, which is neutral and polar, at codon 92 of the PRSS1 protein (p.Lys92Asn). The frequency data for this variant in the population databases is considered unreliable, as metrics indicate poor data quality at this position in the gnomAD database. This missense change has been observed in individual(s) with pancreatitis (PMID: 11260229, 24909264).

Literature cited by the submitters: PubMed 24909264 (cited by Ambry Genetics and Labcorp Genetics (formerly Invitae), Labcorp); PubMed 23455445 (cited by Labcorp Genetics (formerly Invitae), Labcorp); PubMed 11260229 (cited by Labcorp Genetics (formerly Invitae), Labcorp).

NM_002769.5(PRSS1):c.276G>C (p.Lys92Asn)

Genes: PRSS1 (serine protease 1; plus strand), TRB (T cell receptor beta locus; plus strand). Cytogenetic location: 7q34.
Variant type: single nucleotide variant.
Coding change: c.276G>C on transcript NM_002769.5 (MANE Select); coding-DNA position 276, G replaced by C.
Protein change: p.Lys92Asn; replaces lysine 92 with asparagine.
Molecular consequence: missense variant. On other transcripts: non-coding transcript variant (4).
Genome position (GRCh38, 1-based): chr7:142,751,849, G>C. VCF-style: chr7-142751849-G-C. GRCh37 (hg19) VCF-style: chr7-142459700-G-C.
Other names: short protein forms K92N.
Identifiers: ClinVar variation 1795794 (VCV001795794.9), dbSNP rs908729974, ClinGen allele CA168148503.